The following is an entry in ClinVar:

ClinVar aggregate classification (germline): Uncertain significance (1 of 4 stars; one submission).

gnomAD v4.1: 12 of 1,610,576 alleles (0.00075%); highest among the groups gnomAD compares: Middle Eastern, 0.017%; no homozygotes.

Submission:

Labcorp Genetics (formerly Invitae), Labcorp
Classification: Uncertain significance. Last evaluated: 2024-02-22. Review status: criteria provided, single submitter. Criteria: Invitae Variant Classification Sherloc (09022015). Collection method: clinical testing. Allele origin: germline.
Comment: This sequence change replaces glycine, which is neutral and non-polar, with arginine, which is basic and polar, at codon 159 of the GCKR protein (p.Gly159Arg). This variant is present in population databases (rs758692756, gnomAD 0.01%). This variant has not been reported in the literature in individuals affected with GCKR-related conditions. Advanced modeling of protein sequence and biophysical properties (such as structural, functional, and spatial information, amino acid conservation, physicochemical variation, residue mobility, and thermodynamic stability) performed at Invitae indicates that this missense variant is expected to disrupt GCKR protein function with a positive predictive value of 80%. In summary, the available evidence is currently insufficient to determine the role of this variant in disease. Therefore, it has been classified as a Variant of Uncertain Significance.

NM_001486.4(GCKR):c.475G>A (p.Gly159Arg)

Gene: GCKR (glucokinase regulator; plus strand). Cytogenetic location: 2p23.3.
Variant type: single nucleotide variant.
Coding change: c.475G>A on transcript NM_001486.4 (MANE Select); coding-DNA position 475, G replaced by A.
Protein change: p.Gly159Arg; replaces glycine 159 with arginine.
Molecular consequence: missense variant.
Genome position (GRCh38, 1-based): chr2:27,499,188, G>A. VCF-style: chr2-27499188-G-A. GRCh37 (hg19) VCF-style: chr2-27722055-G-A.
Other names: short protein forms G159R.
Identifiers: ClinVar variation 3678761 (VCV003678761.2).